The following is an entry in ClinVar:

ClinVar aggregate classification (germline): Conflicting classifications of pathogenicity. Review status: criteria provided, conflicting classifications (1 of 4 stars). 6 submissions from 6 submitters: Uncertain significance (4); Likely benign (1). 1 of the submissions does not count toward it. Last evaluated 2024-12-04.

Conditions:
Hereditary cancer-predisposing syndrome. Also called: Neoplastic Syndromes, Hereditary; Tumor predisposition; Hereditary Cancer Syndrome; Hereditary neoplastic syndrome. Identifiers: Orphanet 140162, MedGen C0027672, MeSH D009386, MONDO:0015356.
BRCA2-related cancer predisposition. Identifiers: MedGen CN377758, MONDO:0700269.
Hereditary breast ovarian cancer syndrome. Also called: BRCA1- and BRCA2-Associated Hereditary Breast and Ovarian Cancer; Hereditary breast and ovarian cancer syndrome; Hereditary breast and ovarian cancer; Hereditary breast and ovarian cancer syndrome (HBOC); Breast and ovarian cancer; Hereditary breast and/or ovarian cancer syndrome. Identifiers: Orphanet 145, MedGen C0677776, MeSH D061325, MONDO:0003582. Disease mechanism: loss of function.

Submissions (6):

Labcorp Genetics (formerly Invitae), Labcorp
Classification: Uncertain significance for Hereditary breast ovarian cancer syndrome. Last evaluated: 2024-12-04. Review status: criteria provided, single submitter. Criteria: Invitae Variant Classification Sherloc (09022015). Collection method: clinical testing. Allele origin: germline.
Comment: This sequence change replaces aspartic acid, which is acidic and polar, with alanine, which is neutral and non-polar, at codon 988 of the BRCA2 protein (p.Asp988Ala). This variant is not present in population databases (gnomAD no frequency). This variant has not been reported in the literature in individuals affected with BRCA2-related conditions. ClinVar contains an entry for this variant (Variation ID: 232034). Invitae Evidence Modeling of protein sequence and biophysical properties (such as structural, functional, and spatial information, amino acid conservation, physicochemical variation, residue mobility, and thermodynamic stability) indicates that this missense variant is not expected to disrupt BRCA2 protein function with a negative predictive value of 95%. In summary, the available evidence is currently insufficient to determine the role of this variant in disease. Therefore, it has been classified as a Variant of Uncertain Significance.

All of Us Research Program, National Institutes of Health
Classification: Uncertain significance for BRCA2-related cancer predisposition. Last evaluated: 2024-02-22. Review status: criteria provided, single submitter. Criteria: ACMG Guidelines, 2015. Collection method: clinical testing. Allele origin: germline. Inheritance: Autosomal dominant inheritance. Observed: 1 variant allele, 1 heterozygote.
Comment: This missense variant replaces aspartic acid with alanine at codon 988 of the BRCA2 protein. Computational prediction suggests that this variant may not impact protein structure and function. To our knowledge, functional studies have not been reported for this variant. This variant has been reported in an individual affected with bilateral breast cancer (PMID: 20104584) and in a multifactorial analysis with co-occurrence and family history likelihood ratios for pathogenicity of 1.0246 and 0.3857, respectively (PMID: 31131967). This variant has not been identified in the general population by the Genome Aggregation Database (gnomAD). The available evidence is insufficient to determine the role of this variant in disease conclusively. Therefore, this variant is classified as a Variant of Uncertain Significance.

This study involves interpretation of variants in research participants for the purpose of population health screening. Participant phenotype was not available at the time of variant classification. Additional details can be found in publication PMID: 35346344, PMCID: PMC8962531

University of Washington Department of Laboratory Medicine, University of Washington
Classification: Likely benign for Hereditary cancer-predisposing syndrome. Last evaluated: 2023-03-23. Review status: criteria provided, single submitter. Criteria: Dines et al. (Genet Med. 2020). Collection method: curation. Allele origin: germline.
Comment: Missense variant in a coldspot region where missense variants are very unlikely to be pathogenic (PMID:31911673).

BRCA2 exon 11 coldspot. Reclassification based on statistical prior probability.

GeneDx
Classification: Uncertain significance. Last evaluated: 2019-08-05. Review status: criteria provided, single submitter. Criteria: GeneDx Variant Classification Process June 2021. Collection method: clinical testing. Allele origin: germline. Affected: yes.
Comment: Not observed in large population cohorts (Lek 2016); In silico analysis, which includes protein predictors and evolutionary conservation, supports a deleterious effect; Also known as BRCA2 3191A>C; Observed in individuals with breast cancer (Borg 2010); This variant is associated with the following publications: (PMID: 20104584)

Ambry Genetics
Classification: Uncertain significance for Hereditary cancer-predisposing syndrome. Last evaluated: 2015-05-26. Review status: criteria provided, single submitter. Criteria: Ambry Variant Classification Scheme 2023. Collection method: clinical testing. Allele origin: germline.
Comment: The p.D988A variant (also known as c.2963A>C or 3191A>C), located in coding exon 10 of the BRCA2 gene, results from an A to C substitution at nucleotide position 2963. The aspartic acid at codon 988 is replaced by alanine, an amino acid with dissimilar properties. This alteration was previously identified in 1/705 bilateral breast cancer cases and 0/1398 unilateral breast cancer cases in a population based study (Borg A et al, Hum. Mutat. 2010 Mar; 31(3):E1200-40). This variant was not reported in population based cohorts in the following databases: Database of Single Nucleotide Polymorphisms (dbSNP), NHLBI Exome Sequencing Project (ESP), and 1000 Genomes Project. In the ESP, this variant was not observed in 6496 samples (12992 alleles) with coverage at this position. To date, this alteration has been detected with an allele frequency of approximately 0.001% (greater than 150000 alleles tested) in our clinical cohort. Based on protein sequence alignment, this amino acid position is not well conserved in available vertebrate species. In addition, this alteration is predicted to be tolerated by in silico analysis. Since supporting evidence is limited at this time, the clinical significance of p.D988A remains unclear.

Research Molecular Genetics Laboratory, Women's College Hospital, University of Toronto
Classification: Uncertain significance. Last evaluated: 2014-01-31. Review status: no assertion criteria provided. Collection method: research. Allele origin: germline. Affected: yes. Study: The Canadian Open Genetics Repository (COGR). Not counted in ClinVar's aggregate classification.

Literature cited by the submitters: PubMed 20104584 (cited by All of Us Research Program, National Institutes of Health); PubMed 31131967 (cited by All of Us Research Program, National Institutes of Health).

NM_000059.4(BRCA2):c.2963A>C (p.Asp988Ala)

Gene: BRCA2 (BRCA2 DNA repair associated; plus strand). Cytogenetic location: 13q13.1.
Variant type: single nucleotide variant.
Coding change: c.2963A>C on transcript NM_000059.4 (MANE Select); coding-DNA position 2963, A replaced by C.
Protein change: p.Asp988Ala; replaces aspartic acid 988 with alanine.
Molecular consequence: missense variant.
Genome position (GRCh38, 1-based): chr13:32,337,318, A>C. VCF-style: chr13-32337318-A-C. GRCh37 (hg19) VCF-style: chr13-32911455-A-C.
Other names: short protein forms D988A.
Identifiers: ClinVar variation 232034 (VCV000232034.19), dbSNP rs876659509, ClinGen allele CA10579558.